The following is an entry in ClinVar:

NM_000455.5(STK11):c.1146G>A (p.Gln382=)

Gene: STK11 (serine/threonine kinase 11; plus strand). Cytogenetic location: 19p13.3.
Variant type: single nucleotide variant.
Coding change: c.1146G>A on transcript NM_000455.5 (MANE Select); coding-DNA position 1146, G replaced by A.
Protein change: p.Gln382=; no amino-acid change (glutamine 382 retained).
Molecular consequence: synonymous variant. On other transcripts: non-coding transcript variant (1).
Genome position (GRCh38, 1-based): chr19:1,226,491, G>A. VCF-style: chr19-1226491-G-A. GRCh37 (hg19) VCF-style: chr19-1226490-G-A.
Identifiers: ClinVar variation 3903997 (VCV003903997.1).

ClinVar aggregate classification (germline): Benign (1 of 4 stars; one submission).

Conditions:
Peutz-Jeghers syndrome (PJS). Also called: POLYPOSIS, HAMARTOMATOUS INTESTINAL; POLYPS-AND-SPOTS SYNDROME; Peutz-Jeghers polyposis; Periorificial lentiginosis syndrome. Identifiers: Orphanet 2869, MedGen C0031269, MeSH D010580, MONDO:0008280, OMIM 175200.

gnomAD v4.1: 2 of 1,611,232 alleles (0.00012%); highest among the groups gnomAD compares: Non-Finnish European, 0.000085%; no homozygotes.

Submission:

Myriad Genetics, Inc.
Classification: Benign for Peutz-Jeghers syndrome. Last evaluated: 2025-03-28. Review status: criteria provided, single submitter. Criteria: Myriad Autosomal Dominant, Autosomal Recessive and X-Linked Classification Criteria (2023). Collection method: clinical testing. Allele origin: unknown.
Comment: This variant is considered benign. This variant is a silent/synonymous amino acid change and it is not expected to impact splicing.